The following is an entry in ClinVar:

ClinVar aggregate classification (germline): Likely pathogenic (1 of 4 stars; one submission).

Conditions:
Autosomal dominant WDFY3-related disorders.

Submission:

Variantyx, Inc.
Classification: Likely pathogenic for Autosomal dominant WDFY3-related disorders. Last evaluated: 2025-10-01. Review status: criteria provided, single submitter. Criteria: Variantyx Assertion Criteria 2022. Collection method: clinical testing. Allele origin: germline. Inheritance: Autosomal dominant inheritance. Affected: yes.
Comment: This is a frameshift variant in the WDFY3 gene (OMIM: 617485). Pathogenic variants in this gene have been associated with autosomal dominant WDFY3-related disorders. This variant introduces a premature termination codon in exon 52 out of 68 and is expected to result in loss of function, which is a known disease mechanism for WDFY3 in this disorder (PMID: 31406988) (PVS1). This variant is absent from control populations (PM2) and has not been reported in individuals with WDFY3-related disorders in the databases available for review. Based on the current evidence, this variant is classified as likely pathogenic for autosomal dominant WDFY3-related disorders.

Literature cited by the submitters: PubMed 31406988.

NM_014991.6(WDFY3):c.8090_8091del (p.Arg2697fs)

Gene: WDFY3 (WD repeat and FYVE domain containing 3; minus strand). Cytogenetic location: 4q21.23.
Variant type: Microsatellite.
Coding change: c.8090_8091del on transcript NM_014991.6 (MANE Select); coding-DNA positions 8090 to 8091, 2 bases deleted (GA; older notation c.8090_8091delGA).
Protein change: p.Arg2697fs; shifts the reading frame from arginine 2697.
Molecular consequence: frameshift variant.
Genome position (GRCh38, 1-based): chr4:84,709,299-84,709,300, TC deleted on the plus strand (GA on the coding strand, the reverse complement: WDFY3 is on the minus strand); deleting any 2 consecutive bases within chr4:84,709,299-84,709,303 gives the same sequence; the c. name uses the placement nearest the transcript's 3' end. VCF-style (leftmost placement, unchanged base first): chr4-84709298-ATC-A. GRCh37 (hg19) VCF-style: chr4-85630451-ATC-A.
Other names: short protein forms R2697fs.
Identifiers: ClinVar variation 4813736 (VCV004813736.1).
Genomic context (GRCh38, chr4:84,709,298, plus strand): 5'-GACTTCTACTCTAATTACGAACTTCTAAGGAAGCTCATATATTCATTAAACTTACCTCCC[ATC>A]TCTGAGTCACAGACTTCTCTCCAACCAAAGTGCTAAGTAACCCAGATCTAAAAGCAATAC-3'